The following is an entry in ClinVar:

NM_001130173.2(MYB):c.2271G>A (p.Arg757=)

Gene: MYB (MYB proto-oncogene, transcription factor; plus strand). Cytogenetic location: 6q23.3.
Variant type: single nucleotide variant.
Coding change: c.2271G>A on transcript NM_001130173.2 (MANE Select); coding-DNA position 2271, G replaced by A.
Protein change: p.Arg757=; no amino-acid change (arginine 757 retained).
Molecular consequence: synonymous variant. On other transcripts: non-coding transcript variant (8).
Genome position (GRCh38, 1-based): chr6:135,217,965, G>A. VCF-style: chr6-135217965-G-A. GRCh37 (hg19) VCF-style: chr6-135539103-G-A.
Other names: c.1899G>A, p.Arg633= (NM_001130172.2); c.2262G>A, p.Arg754= (NM_001161656.2); c.1653G>A, p.Arg551= (NM_001161657.2); c.2223G>A, p.Arg741= (NM_001161658.2); c.1797G>A, p.Arg599= (NM_001161659.2); c.1803G>A, p.Arg601= (NM_001161660.2); c.1908G>A, p.Arg636= (NM_005375.4).
Identifiers: ClinVar variation 3037450 (VCV003037450.2), dbSNP rs35664708, ClinGen allele CA4011871.
Genomic context (GRCh38, chr6:135,217,965, plus strand): 5'-GGAGGAGCAGATGACATCTTCCAGTCAAGCTCGTAAATACGTGAATGCATTCTCAGCCCG[G>A]ACGCTGGTCATGTGAGACATTTCCAGAAAAGCATTATGGTTTTCAGAACACTTCAAGTTG-3'
Protein context (NP_001123645.1, residues 747-761): ARKYVNAFSA[Arg757=]TLVM

ClinVar aggregate classification (germline): Benign (0 of 4 stars; one submission).

Conditions:
MYB-related disorder. Also called: MYB-related condition.

Allele frequency attached by ClinVar (database versions not stated): 1000 Genomes Project 30x 0.00656; 1000 Genomes Project 0.00739; TOPMed 0.01657; ESP Exome Variant Server 0.02168; gnomAD 0.02255; ExAC 0.02339; gnomAD exomes 0.02825.
gnomAD v4.1: 44,224 of 1,607,410 alleles (2.8%); highest among the groups gnomAD compares: Non-Finnish European, 3.1%; 891 homozygotes.

Submission:

PreventionGenetics, part of Exact Sciences
Classification: Benign for MYB-related condition. Last evaluated: 2019-03-07. Review status: no assertion criteria provided. Collection method: clinical testing. Allele origin: germline.
Comment: This variant is classified as benign based on ACMG/AMP sequence variant interpretation guidelines (Richards et al. 2015 PMID: 25741868, with internal and published modifications).